The following is an entry in ClinVar:

ClinVar aggregate classification (germline): Benign (1 of 4 stars; one submission).

Allele frequency attached by ClinVar (database versions not stated): gnomAD 0.08351 and 0.08796; TOPMed 0.09299; 1000 Genomes Project 30x 0.12586; 1000 Genomes Project 0.13438.
gnomAD v4.1: 13,383 of 151,404 alleles (8.8%); highest among the groups gnomAD compares: East Asian, 43%; 1,000 homozygotes.

Submission:

GeneDx
Classification: Benign. Last evaluated: 2018-06-16. Review status: criteria provided, single submitter. Criteria: GeneDx Variant Classification (06012015). Collection method: clinical testing. Allele origin: germline. Affected: yes.
Comment: This variant is considered likely benign or benign based on one or more of the following criteria: it is a conservative change, it occurs at a poorly conserved position in the protein, it is predicted to be benign by multiple in silico algorithms, and/or has population frequency not consistent with disease.

NM_000426.4(LAMA2):c.2323-254C>T

Gene: LAMA2 (laminin subunit alpha 2; plus strand). Cytogenetic location: 6q22.33.
Variant type: single nucleotide variant.
Coding change: c.2323-254C>T on transcript NM_000426.4 (MANE Select); 254 bases into the intron before coding-DNA position 2323, C replaced by T.
Molecular consequence: intron variant.
Genome position (GRCh38, 1-based): chr6:129,270,370, C>T. VCF-style: chr6-129270370-C-T. GRCh37 (hg19) VCF-style: chr6-129591515-C-T.
Other names: c.2323-254C>T (NM_001079823.2).
Identifiers: ClinVar variation 671435 (VCV000671435.1), dbSNP rs187851, ClinGen allele CA146880475.